The following is an entry in ClinVar:

NM_006648.4(WNK2):c.6128A>G (p.Tyr2043Cys)

Gene: WNK2 (WNK lysine deficient protein kinase 2; plus strand). Cytogenetic location: 9q22.31.
Variant type: single nucleotide variant.
Coding change: c.6128A>G on transcript NM_006648.4 (MANE Select); coding-DNA position 6128, A replaced by G.
Protein change: p.Tyr2043Cys; replaces tyrosine 2043 with cysteine.
Molecular consequence: missense variant.
Genome position (GRCh38, 1-based): chr9:93,300,063, A>G. VCF-style: chr9-93300063-A-G. GRCh37 (hg19) VCF-style: chr9-96062345-A-G.
Other names: c.6239A>G, p.Tyr2080Cys (NM_001282394.3); short protein forms Y2043C, Y2080C.
Identifiers: ClinVar variation 3981752 (VCV003981752.1).

ClinVar aggregate classification (germline): Uncertain significance (1 of 4 stars; one submission).

Submission:

Ambry Genetics
Classification: Uncertain significance. Last evaluated: 2025-03-29. Review status: criteria provided, single submitter. Criteria: Ambry Variant Classification Scheme 2023. Collection method: clinical testing. Allele origin: germline.
Comment: The p.Y2043C variant (also known as c.6128A>G), located in coding exon 25 of the WNK2 gene, results from an A to G substitution at nucleotide position 6128. The tyrosine at codon 2043 is replaced by cysteine, an amino acid with highly dissimilar properties. This amino acid position is conserved. In addition, the in silico prediction for this alteration is inconclusive. Based on the available evidence, the clinical significance of this variant remains unclear.